The following is an entry in ClinVar:

NM_017849.4(TMEM127):c.609A>G (p.Glu203=)

Gene: TMEM127 (transmembrane protein 127; minus strand). Cytogenetic location: 2q11.2.
Variant type: single nucleotide variant.
Coding change: c.609A>G on transcript NM_017849.4 (MANE Select); coding-DNA position 609, A replaced by G.
Protein change: p.Glu203=; no amino-acid change (glutamic acid 203 retained).
Molecular consequence: synonymous variant.
Genome position (GRCh38, 1-based): chr2:96,253,916, T>C on the plus strand (A>G on the coding strand, the complement: TMEM127 is on the minus strand). VCF-style: chr2-96253916-T-C. GRCh37 (hg19) VCF-style: chr2-96919654-T-C.
Other names: c.609A>G, p.Glu203= (NM_001193304.3).
Identifiers: ClinVar variation 1555912 (VCV001555912.11), dbSNP rs750072653, ClinGen allele CA1777271.

ClinVar aggregate classification (germline): Benign/Likely benign. Review status: criteria provided, multiple submitters, no conflicts (2 of 4 stars). 3 submissions from 3 submitters: Benign (1); Likely benign (2). Last evaluated 2026-07-30.

Conditions:
Hereditary pheochromocytoma and paraganglioma. Also called: Hereditary paragangliomas and pheochromocytomas; Hereditary Paraganglioma-Pheochromocytoma Syndromes; Hereditary pheochromocytoma-paraganglioma. Identifiers: Orphanet 29072, MedGen C4274332, MONDO:0017366.
Hereditary cancer-predisposing syndrome. Also called: Neoplastic Syndromes, Hereditary; Tumor predisposition; Hereditary Cancer Syndrome; Hereditary neoplastic syndrome. Identifiers: Orphanet 140162, MedGen C0027672, MeSH D009386, MONDO:0015356.

Allele frequency attached by ClinVar (database versions not stated): ExAC 0.00001.

Submissions (3):

Myriad Genetics, Inc.
Classification: Benign for Hereditary pheochromocytoma and paraganglioma. Last evaluated: 2026-07-30. Review status: criteria provided, single submitter. Criteria: Myriad Autosomal Dominant, Autosomal Recessive and X-Linked Classification Criteria (2023). Collection method: clinical testing. Allele origin: unknown.
Comment: This variant is considered benign. This variant is a silent/synonymous amino acid change and it is not expected to impact splicing.

Labcorp Genetics (formerly Invitae), Labcorp
Classification: Likely benign for Hereditary pheochromocytoma and paraganglioma. Last evaluated: 2024-04-24. Review status: criteria provided, single submitter. Criteria: Invitae Variant Classification Sherloc (09022015). Collection method: clinical testing. Allele origin: germline.

Ambry Genetics
Classification: Likely benign for Hereditary cancer-predisposing syndrome. Last evaluated: 2022-04-07. Review status: criteria provided, single submitter. Criteria: Ambry Variant Classification Scheme 2023. Collection method: clinical testing. Allele origin: germline.